The following is an entry in ClinVar:

ClinVar aggregate classification (germline): Likely benign. Review status: criteria provided, single submitter (1 of 4 stars). 2 submissions from 2 submitters: Likely benign (1). 1 of the submissions does not count toward it. Last evaluated 2018-09-18.

Conditions:
MYO1F-related disorder. Also called: MYO1F-related condition.

Allele frequency attached by ClinVar (database versions not stated): gnomAD exomes 0.00005 and 0.00011; ExAC 0.00013; 1000 Genomes Project 30x 0.00031; 1000 Genomes Project 0.00040; ESP Exome Variant Server 0.00041; gnomAD 0.00042 and 0.00046; TOPMed 0.00048.
gnomAD v4.1: 149 of 1,614,034 alleles (0.0092%); highest among the groups gnomAD compares: African/African-American, 0.17%; no homozygotes.

Submissions (2):

GeneDx
Classification: Likely benign. Last evaluated: 2018-09-18. Review status: criteria provided, single submitter. Criteria: GeneDx Variant Classification Process June 2021. Collection method: clinical testing. Allele origin: germline. Affected: yes.

PreventionGenetics, part of Exact Sciences
Classification: Likely benign for MYO1F-related condition. Last evaluated: 2019-03-18. Review status: no assertion criteria provided. Collection method: clinical testing. Allele origin: germline. Not counted in ClinVar's aggregate classification.
Comment: This variant is classified as likely benign based on ACMG/AMP sequence variant interpretation guidelines (Richards et al. 2015 PMID: 25741868, with internal and published modifications).

NM_012335.4(MYO1F):c.615G>A (p.Arg205=)

Gene: MYO1F (myosin IF; minus strand). Cytogenetic location: 19p13.2.
Variant type: single nucleotide variant.
Coding change: c.615G>A on transcript NM_012335.4 (MANE Select); coding-DNA position 615, G replaced by A.
Protein change: p.Arg205=; no amino-acid change (arginine 205 retained).
Molecular consequence: synonymous variant.
Genome position (GRCh38, 1-based): chr19:8,552,054, C>T on the plus strand (G>A on the coding strand, the complement: MYO1F is on the minus strand). VCF-style: chr19-8552054-C-T. GRCh37 (hg19) VCF-style: chr19-8616938-C-T.
Other names: c.615G>A, p.Arg205= (NM_001348355.2).
Identifiers: ClinVar variation 1316883 (VCV001316883.4), dbSNP rs193178220, ClinGen allele CA9159621.
Genomic context (GRCh38, chr19:8,552,054, plus strand): 5'-CCAGGTGGTGCTCCCTCTCCCCCGGCCCCTTCCCTGCACCTGGTAGTAGATGTGGAAGTT[C>T]CTCTCATTTTCATTTTGCATGACCACGCGGGACTTCTCCAGCAAGAAGTTGGAGATCTTG-3'
Protein context (NP_036467.2, residues 195-215): SRVVMQNENE[Arg205=]NFHIYYQLLE